The following is an entry in ClinVar:

ClinVar aggregate classification (germline): Likely benign. Review status: criteria provided, multiple submitters, no conflicts (2 of 4 stars). 2 submissions from 2 submitters: Likely benign (2). Last evaluated 2025-08-10.

Conditions:
PKHD1-related disorder. Also called: PKHD1-related condition.
Autosomal recessive polycystic kidney disease (ARPKD). Also called: AR polycystic kidney disease. Identifiers: Orphanet 731, Orphanet 8378, MedGen C0085548, MeSH D017044, MONDO:0009889.

Submissions (2):

PreventionGenetics, part of Exact Sciences
Classification: Likely benign for PKHD1-related condition. Last evaluated: 2025-08-10. Review status: criteria provided, single submitter. Criteria: ACMG Guidelines, 2015. Collection method: clinical testing. Allele origin: germline.
Comment: This variant is classified as likely benign based on ACMG/AMP sequence variant interpretation guidelines (Richards et al. 2015 PMID: 25741868, with internal and published modifications).

Labcorp Genetics (formerly Invitae), Labcorp
Classification: Likely benign for Autosomal recessive polycystic kidney disease. Last evaluated: 2023-05-02. Review status: criteria provided, single submitter. Criteria: Invitae Variant Classification Sherloc (09022015). Collection method: clinical testing. Allele origin: germline.

NM_138694.4(PKHD1):c.4974A>G (p.Pro1658=)

Genes: PKHD1 (PKHD1 ciliary IPT domain containing fibrocystin/polyductin; minus strand), LOC126859690 (MED14-independent group 3 enhancer GRCh37_chr6:51888848-51890047; plus strand). Cytogenetic location: 6p12.2.
Variant type: single nucleotide variant.
Coding change: c.4974A>G on transcript NM_138694.4 (MANE Select); coding-DNA position 4974, A replaced by G.
Protein change: p.Pro1658=; no amino-acid change (proline 1658 retained).
Molecular consequence: synonymous variant.
Genome position (GRCh38, 1-based): chr6:52,024,836, T>C on the plus strand (A>G on the coding strand, the complement: PKHD1 is on the minus strand). VCF-style: chr6-52024836-T-C. GRCh37 (hg19) VCF-style: chr6-51889634-T-C.
Other names: c.4974A>G, p.Pro1658= (NM_170724.3); c.4974A>G (NM_138694.3).
Identifiers: ClinVar variation 2861550 (VCV002861550.4), dbSNP rs2532692897, ClinGen allele CA450613886.